The following is an entry in ClinVar:

ClinVar aggregate classification (germline): Uncertain significance (1 of 4 stars; one submission).

Conditions:
Inborn genetic diseases. Identifiers: MedGen C0950123, MeSH D030342.

Submission:

Ambry Genetics
Classification: Uncertain significance for Inborn genetic diseases. Last evaluated: 2021-09-07. Review status: criteria provided, single submitter. Criteria: Ambry Variant Classification Scheme 2023. Collection method: clinical testing. Allele origin: germline.
Comment: The p.H855Y variant (also known as c.2563C>T), located in coding exon 17 of the PIK3CA gene, results from a C to T substitution at nucleotide position 2563. The histidine at codon 855 is replaced by tyrosine, an amino acid with similar properties. This amino acid position is conserved. In addition, the in silico prediction for this alteration is inconclusive. Since supporting evidence is limited at this time, the clinical significance of this alteration remains unclear.

NM_006218.4(PIK3CA):c.2563C>T (p.His855Tyr)

Gene: PIK3CA (phosphatidylinositol-4,5-bisphosphate 3-kinase catalytic subunit alpha; plus strand). Cytogenetic location: 3q26.32.
Variant type: single nucleotide variant.
Coding change: c.2563C>T on transcript NM_006218.4 (MANE Select); coding-DNA position 2563, C replaced by T.
Protein change: p.His855Tyr; replaces histidine 855 with tyrosine.
Molecular consequence: missense variant.
Genome position (GRCh38, 1-based): chr3:179,229,339, C>T. VCF-style: chr3-179229339-C-T. GRCh37 (hg19) VCF-style: chr3-178947127-C-T.
Other names: short protein forms H855Y.
Identifiers: ClinVar variation 1793139 (VCV001793139.2), dbSNP rs2108422715, ClinGen allele CA355277989.